The following is an entry in ClinVar:

NM_001797.4(CDH11):c.627G>A (p.Ser209=)

Gene: CDH11 (cadherin 11; minus strand). Cytogenetic location: 16q21.
Variant type: single nucleotide variant.
Coding change: c.627G>A on transcript NM_001797.4 (MANE Select); coding-DNA position 627, G replaced by A.
Protein change: p.Ser209=; no amino-acid change (serine 209 retained).
Molecular consequence: synonymous variant.
Genome position (GRCh38, 1-based): chr16:64,992,931, C>T on the plus strand (G>A on the coding strand, the complement: CDH11 is on the minus strand). VCF-style: chr16-64992931-C-T. GRCh37 (hg19) VCF-style: chr16-65026834-C-T.
Other names: c.627G>A, p.Ser209= (NM_001308392.2); c.249G>A, p.Ser83= (NM_001330576.2).
Identifiers: ClinVar variation 5039133 (VCV005039133.1).
Genomic context (GRCh38, chr16:64,992,931, plus strand): 5'-CTTATTCACCATGTGTCACAAATCACAGTGACATTCCACAGTACCTGTCTGTGCTTCCAC[C>T]GAAAAATAGGGTTGTCCTTCGAGGATACTGTACACTAACTTGGCGCTATTTCCATAAGTG-3'
Protein context (NP_001788.2, residues 199-219): YSILEGQPYF[Ser209=]VEAQTGIIRT

ClinVar aggregate classification (germline): Likely benign (1 of 4 stars; one submission).

gnomAD v4.1: 36 of 1,613,412 alleles (0.0022%); highest among the groups gnomAD compares: African/African-American, 0.0067%; no homozygotes.

Submission:

CeGaT Center for Human Genetics Tuebingen
Classification: Likely benign. Last evaluated: 2026-07-01. Review status: criteria provided, single submitter. Criteria: CeGaT Center For Human Genetics Tuebingen Variant Classification Criteria Version 2. Collection method: clinical testing. Allele origin: germline. Affected: yes. Observed: 1 variant allele.
Comment: CDH11: BP4, BP7